The following is an entry in ClinVar:

NM_018838.5(NDUFA12):c.5A>G (p.Glu2Gly)

Gene: NDUFA12 (NADH:ubiquinone oxidoreductase subunit A12; minus strand). Cytogenetic location: 12q22.
Variant type: single nucleotide variant.
Coding change: c.5A>G on transcript NM_018838.5 (MANE Select); coding-DNA position 5, A replaced by G.
Protein change: p.Glu2Gly; replaces glutamic acid 2 with glycine.
Molecular consequence: missense variant.
Genome position (GRCh38, 1-based): chr12:95,003,676, T>C on the plus strand (A>G on the coding strand, the complement: NDUFA12 is on the minus strand). VCF-style: chr12-95003676-T-C. GRCh37 (hg19) VCF-style: chr12-95397452-T-C.
Other names: c.5A>G, p.Glu2Gly (NM_001258338.2); short protein forms E2G.
Identifiers: ClinVar variation 2663250 (VCV002663250.1), dbSNP rs2499508339, ClinGen allele CA386041162.

ClinVar aggregate classification (germline): Uncertain significance (1 of 4 stars; one submission).

Submission:

GeneDx
Classification: Uncertain significance. Last evaluated: 2023-05-11. Review status: criteria provided, single submitter. Criteria: GeneDx Variant Classification Process June 2021. Collection method: clinical testing. Allele origin: germline. Affected: yes.
Comment: Not observed at significant frequency in large population cohorts (gnomAD); In silico analysis supports that this missense variant has a deleterious effect on protein structure/function; Has not been previously published as pathogenic or benign to our knowledge